The following is an entry in ClinVar:

NM_004974.4(KCNA2):c.31G>A (p.Glu11Lys)

Gene: KCNA2 (potassium voltage-gated channel subfamily A member 2; minus strand). Cytogenetic location: 1p13.3.
Variant type: single nucleotide variant.
Coding change: c.31G>A on transcript NM_004974.4 (MANE Select); coding-DNA position 31, G replaced by A.
Protein change: p.Glu11Lys; replaces glutamic acid 11 with lysine.
Molecular consequence: missense variant.
Genome position (GRCh38, 1-based): chr1:110,604,752, C>T on the plus strand (G>A on the coding strand, the complement: KCNA2 is on the minus strand). VCF-style: chr1-110604752-C-T. GRCh37 (hg19) VCF-style: chr1-111147374-C-T.
Other names: c.31G>A, p.Glu11Lys (NM_001204269.2); short protein forms E11K.
Identifiers: ClinVar variation 4807548 (VCV004807548.2).

ClinVar aggregate classification (germline): Uncertain significance. Review status: criteria provided, multiple submitters, no conflicts (2 of 4 stars). 2 submissions from 2 submitters: Uncertain significance (2). Last evaluated 2025-05-27.

Conditions:
Developmental and epileptic encephalopathy, 32 (DEE32). Also called: Epileptic encephalopathy, early infantile, 32. Identifiers: Orphanet 442835, MedGen C4225350, MONDO:0014607, OMIM 616366.

Submissions (2):

Labcorp Genetics (formerly Invitae), Labcorp
Classification: Uncertain significance for Developmental and epileptic encephalopathy, 32. Last evaluated: 2025-05-27. Review status: criteria provided, single submitter. Criteria: Invitae Variant Classification Sherloc (09022015). Collection method: clinical testing. Allele origin: germline.
Comment: This sequence change replaces glutamic acid, which is acidic and polar, with lysine, which is basic and polar, at codon 11 of the KCNA2 protein (p.Glu11Lys). This variant is not present in population databases (gnomAD no frequency). This variant has not been reported in the literature in individuals affected with KCNA2-related conditions. Invitae Evidence Modeling of protein sequence and biophysical properties (such as structural, functional, and spatial information, amino acid conservation, physicochemical variation, residue mobility, and thermodynamic stability) indicates that this missense variant is not expected to disrupt KCNA2 protein function with a negative predictive value of 95%. In summary, the available evidence is currently insufficient to determine the role of this variant in disease. Therefore, it has been classified as a Variant of Uncertain Significance.

Blueprint Genetics
Classification: Uncertain significance. Last evaluated: 2022-01-20. Review status: criteria provided, single submitter. Criteria: ACMG Guidelines, 2015. Collection method: clinical testing. Allele origin: germline.